The following is an entry in ClinVar:

ClinVar aggregate classification (germline): Conflicting classifications of pathogenicity. Review status: criteria provided, conflicting classifications (1 of 4 stars). 3 submissions from 3 submitters: Uncertain significance (2); Benign (1). Last evaluated 2026-01-26.

Conditions:
Inborn genetic diseases. Identifiers: MedGen C0950123, MeSH D030342.
Glycogen storage disease IXd (GSD9D). Also called: GSD IXd; Muscle Phosphorylase Kinase Deficiency. Identifiers: Orphanet 715, MedGen C1845151, MONDO:0010362, OMIM 300559.

Allele frequency attached by ClinVar (database versions not stated): ExAC 0.00016; ESP Exome Variant Server 0.00019; gnomAD exomes 0.00020 and 0.00034; TOPMed 0.00027; gnomAD 0.00034.
gnomAD v4.1: 394 of 1,186,589 alleles (0.033%); highest among the groups gnomAD compares: Non-Finnish European, 0.043%; no homozygotes.

Submissions (3):

Labcorp Genetics (formerly Invitae), Labcorp
Classification: Uncertain significance for Glycogen storage disease IXd. Last evaluated: 2026-01-26. Review status: criteria provided, single submitter. Criteria: Invitae Variant Classification Sherloc (09022015). Collection method: clinical testing. Allele origin: germline.
Comment: This sequence change replaces alanine, which is neutral and non-polar, with threonine, which is neutral and polar, at codon 1171 of the PHKA1 protein (p.Ala1171Thr). This variant is present in population databases (rs144813238, gnomAD 0.04%), and has an allele count higher than expected for a pathogenic variant. This variant has not been reported in the literature in individuals affected with PHKA1-related conditions. ClinVar contains an entry for this variant (Variation ID: 368644). An algorithm developed to predict the effect of missense changes on protein structure and function (PolyPhen-2) suggests that this variant is likely to be tolerated. In summary, the available evidence is currently insufficient to determine the role of this variant in disease. Therefore, it has been classified as a Variant of Uncertain Significance.

Ambry Genetics
Classification: Uncertain significance for Inborn genetic diseases. Last evaluated: 2024-11-09. Review status: criteria provided, single submitter. Criteria: Ambry Variant Classification Scheme 2023. Collection method: clinical testing. Allele origin: germline.

Illumina Laboratory Services, Illumina
Classification: Benign for Glycogen storage disease IXd. Last evaluated: 2018-01-12. Review status: criteria provided, single submitter. Criteria: ICSL Variant Classification Criteria 13 December 2019. Collection method: clinical testing. Allele origin: germline.
Comment: This variant was observed in the ICSL laboratory as part of a predisposition screen in an ostensibly healthy population. It had not been previously curated by ICSL or reported in the Human Gene Mutation Database (HGMD: prior to June 1st, 2018), and was therefore a candidate for classification through an automated scoring system. Utilizing variant allele frequency, disease prevalence and penetrance estimates, and inheritance mode, an automated score was calculated to assess if this variant is too frequent to cause the disease. Based on the score and internal cut-off values, a variant classified as benign is not then subjected to further curation. The score for this variant resulted in a classification of benign for this disease.

NM_002637.4(PHKA1):c.3511G>A (p.Ala1171Thr)

Gene: PHKA1 (phosphorylase kinase regulatory subunit alpha 1; minus strand). Cytogenetic location: Xq13.1.
Variant type: single nucleotide variant.
Coding change: c.3511G>A on transcript NM_002637.4 (MANE Select); coding-DNA position 3511, G replaced by A.
Protein change: p.Ala1171Thr; replaces alanine 1171 with threonine.
Molecular consequence: missense variant.
Genome position (GRCh38, 1-based): chrX:72,581,163, C>T on the plus strand (G>A on the coding strand, the complement: PHKA1 is on the minus strand). VCF-style: chrX-72581163-C-T. GRCh37 (hg19) VCF-style: chrX-71801013-C-T.
Other names: c.3472G>A, p.Ala1158Thr (NM_001122670.2); c.3295G>A, p.Ala1099Thr (NM_001172436.2); short protein forms A1171T, A1099T, A1158T.
Identifiers: ClinVar variation 368644 (VCV000368644.15), dbSNP rs144813238, ClinGen allele CA10450442.